The following is an entry in ClinVar:

NC_000017.11:g.(?_28534311)_(28537456_?)del

Gene: FOXN1 (forkhead box N1; plus strand). Cytogenetic location: 17q11.2.
Variant type: Deletion.
Identifiers: ClinVar variation 831825 (VCV000831825.2).

ClinVar aggregate classification (germline): Uncertain significance (1 of 4 stars; one submission).

Conditions:
T-cell immunodeficiency, congenital alopecia, and nail dystrophy. Also called: Congenital alopecia and nail dystrophy associated with severe functional T-cell immunodeficiency; Pignata Guarino syndrome. Identifiers: Orphanet 169095, MedGen C1866426, MONDO:0011132, OMIM 601705.

Submission:

Labcorp Genetics (formerly Invitae), Labcorp
Classification: Uncertain significance for T-cell immunodeficiency, congenital alopecia and nail dystrophy. Last evaluated: 2019-08-18. Review status: criteria provided, single submitter. Criteria: Invitae Variant Classification Sherloc (09022015). Collection method: clinical testing. Allele origin: germline.
Comment: This variant is a gross deletion of the genomic region encompassing exons 6-8 of the FOXN1 gene. The 5' boundary is likely confined to intron 5. The 3' end of this event is unknown as it extends through the termination codon beyond the assayed region for this gene and may encompass additional genes. While this deletion is not anticipated to result in nonsense mediated decay, it is expected to create a truncated protein product or disrupt mRNA translation. This variant has not been reported in the literature in individuals with FOXN1-related conditions. In summary, the available evidence is currently insufficient to determine the role of this variant in disease. Therefore, it has been classified as a Variant of Uncertain Significance.